The following is an entry in ClinVar:

ClinVar aggregate classification (germline): Benign. Review status: criteria provided, multiple submitters, no conflicts (2 of 4 stars). 3 submissions from 3 submitters: Benign (3). Last evaluated 2024-07-15.

Allele frequency attached by ClinVar (database versions not stated): 1000 Genomes Project 30x 0.89257; 1000 Genomes Project 0.89497; TOPMed 0.88769; ESP Exome Variant Server 0.90152; ExAC 0.94675.
gnomAD v4.1: 1,448,784 of 1,519,782 alleles (95%); highest among the groups gnomAD compares: East Asian, 99%; 692,662 homozygotes.

Submissions (3):

Unidad de Genómica Garrahan, Hospital de Pediatría Garrahan
Classification: Benign. Last evaluated: 2024-07-15. Review status: criteria provided, single submitter. Criteria: ACMG Guidelines, 2015. Collection method: clinical testing. Allele origin: germline. Affected: no. Observed: 93 variant alleles.
Comment: This variant is classified as Benign based on local population frequency. This variant was detected in 100% of patients studied in a panel designed for Epileptic and Developmental Encephalopathy and Progressive Myoclonus Epilepsy. Number of patients: 93. Only high quality variants are reported.

GeneDx
Classification: Benign. Last evaluated: 2015-03-03. Review status: criteria provided, single submitter. Criteria: GeneDx Variant Classification Process June 2021. Collection method: clinical testing. Allele origin: germline. Affected: yes.

Breakthrough Genomics
Classification: Benign. Review status: criteria provided, single submitter. Criteria: ACMG Guidelines, 2015. Collection method: not provided. Allele origin: germline. Inheritance: Autosomal recessive inheritance. Affected: yes.

NM_001358921.2(COQ2):c.253+47T>G

Gene: COQ2 (coenzyme Q2, polyprenyltransferase; minus strand). Cytogenetic location: 4q21.23.
Variant type: single nucleotide variant.
Coding change: c.253+47T>G on transcript NM_001358921.2 (MANE Select); 47 bases into the intron after coding-DNA position 253, T replaced by G.
Molecular consequence: intron variant.
Genome position (GRCh38, 1-based): chr4:83,284,465, A>C on the plus strand (T>G on the coding strand, the complement: COQ2 is on the minus strand). VCF-style: chr4-83284465-A-C. GRCh37 (hg19) VCF-style: chr4-84205618-A-C.
Other names: c.403+47T>G (NM_015697.9).
Identifiers: ClinVar variation 1292586 (VCV001292586.5), dbSNP rs13113787, ClinGen allele CA2988643.